The following is an entry in ClinVar:

ClinVar aggregate classification (germline): Uncertain significance (1 of 4 stars; one submission).

Submission:

GeneDx
Classification: Uncertain significance. Last evaluated: 2023-11-17. Review status: criteria provided, single submitter. Criteria: GeneDx Variant Classification Process June 2021. Collection method: clinical testing. Allele origin: germline. Affected: yes.
Comment: Not observed at significant frequency in large population cohorts (gnomAD); In silico analysis supports that this missense variant has a deleterious effect on protein structure/function; Has not been previously published as pathogenic or benign to our knowledge

NM_006852.6(TLK2):c.1717C>G (p.Pro573Ala)

Gene: TLK2 (tousled like kinase 2; plus strand). Cytogenetic location: 17q23.2.
Variant type: single nucleotide variant.
Coding change: c.1717C>G on transcript NM_006852.6 (MANE Select); coding-DNA position 1717, C replaced by G.
Protein change: p.Pro573Ala; replaces proline 573 with alanine.
Molecular consequence: missense variant.
Genome position (GRCh38, 1-based): chr17:62,600,817, C>G. VCF-style: chr17-62600817-C-G. GRCh37 (hg19) VCF-style: chr17-60678178-C-G.
Other names: c.1783C>G, p.Pro595Ala (NM_001284333.3); c.1621C>G, p.Pro541Ala (NM_001284363.1, NM_001375272.1); c.1270C>G, p.Pro424Ala (NM_001330418.3, NM_001375273.1); c.1759C>G, p.Pro587Ala (NM_001375269.1); c.1717C>G, p.Pro573Ala (NM_001375270.1, NM_001375271.1); c.1432C>G, p.Pro478Ala (NM_001411074.1); short protein forms P424A, P478A, P541A, P573A, P587A, P595A.
Identifiers: ClinVar variation 2506606 (VCV002506606.2), dbSNP rs2546015287, ClinGen allele CA400511338.